The following is an entry in ClinVar:

ClinVar aggregate classification (germline): Likely benign. Review status: criteria provided, single submitter (1 of 4 stars). 2 submissions from 2 submitters: Likely benign (1). 1 of the submissions does not count toward it. Last evaluated 2023-12-04.

Conditions:
ASXL3-related disorder. Also called: ASXL3-related condition. Identifiers: MedGen CN381524.

Allele frequency attached by ClinVar (database versions not stated): ExAC 0.00001; gnomAD 0.00001; gnomAD exomes 0.00001; 1000 Genomes Project 30x 0.00016.
gnomAD v4.1: 20 of 1,613,854 alleles (0.0012%); highest among the groups gnomAD compares: East Asian, 0.013%; no homozygotes.

Submissions (2):

Blueprint Genetics
Classification: Likely benign. Last evaluated: 2023-12-04. Review status: criteria provided, single submitter. Criteria: ACMG Guidelines, 2015. Collection method: clinical testing. Allele origin: germline.

PreventionGenetics, part of Exact Sciences
Classification: Likely benign for ASXL3-related condition. Last evaluated: 2020-01-14. Review status: no assertion criteria provided. Collection method: clinical testing. Allele origin: germline. Not counted in ClinVar's aggregate classification.
Comment: This variant is classified as likely benign based on ACMG/AMP sequence variant interpretation guidelines (Richards et al. 2015 PMID: 25741868, with internal and published modifications).

NM_030632.3(ASXL3):c.6309T>C (p.Tyr2103=)

Gene: ASXL3 (ASXL transcriptional regulator 3; plus strand). Cytogenetic location: 18q12.1.
Variant type: single nucleotide variant.
Coding change: c.6309T>C on transcript NM_030632.3 (MANE Select); coding-DNA position 6309, T replaced by C.
Protein change: p.Tyr2103=; no amino-acid change (tyrosine 2103 retained).
Molecular consequence: synonymous variant.
Genome position (GRCh38, 1-based): chr18:33,746,157, T>C. VCF-style: chr18-33746157-T-C. GRCh37 (hg19) VCF-style: chr18-31326121-T-C.
Identifiers: ClinVar variation 3051468 (VCV003051468.3), dbSNP rs762065126, ClinGen allele CA8934619.